The following is an entry in ClinVar:

ClinVar aggregate classification (germline): Likely benign (1 of 4 stars; one submission).

gnomAD v4.1: 1,318 of 1,605,816 alleles (0.082%); highest among the groups gnomAD compares: African/African-American, 1.3%; 9 homozygotes.

Submissions (4):

CeGaT Center for Human Genetics Tuebingen
Classification: Likely benign. Last evaluated: 2026-08-01. Review status: criteria provided, single submitter. Criteria: CeGaT Center For Human Genetics Tuebingen Variant Classification Criteria Version 2. Collection method: clinical testing. Allele origin: germline. Affected: yes. Observed: 1 variant allele.
Comment: ENSG00000286235: BS1; CRLS1: BP4, BS1

Dr. Peter K. Rogan Lab, Western University
No classification provided (evidence only). Condition: Lung cancer. Review status: no classification provided. Collection method: in vitro. Allele origin: not applicable. Functional consequence: retained intron. Not counted in ClinVar's aggregate classification.

Dr. Peter K. Rogan Lab, Western University
No classification provided (evidence only). Condition: Uterine corpus endometrial carcinoma. Review status: no classification provided. Collection method: in vitro. Allele origin: not applicable. Functional consequence: retained intron. Not counted in ClinVar's aggregate classification.

Dr. Peter K. Rogan Lab, Western University
No classification provided (evidence only). Condition: Cholangiocarcinoma. Review status: no classification provided. Collection method: in vitro. Allele origin: not applicable. Functional consequence: retained intron. Not counted in ClinVar's aggregate classification.

NM_019095.6(CRLS1):c.822-5A>C

Gene: CRLS1 (cardiolipin synthase 1; plus strand). Cytogenetic location: 20p12.3.
Variant type: single nucleotide variant.
Coding change: c.822-5A>C on transcript NM_019095.6 (MANE Select); 5 bases into the intron before coding-DNA position 822, A replaced by C.
Molecular consequence: intron variant.
Genome position (GRCh38, 1-based): chr20:6,037,069, A>C. VCF-style: chr20-6037069-A-C. GRCh37 (hg19) VCF-style: chr20-6017715-A-C.
Other names: NC_000020.10:g.6017715A>C; c.489-5A>C (NM_001323562.2, NM_001323563.2, NM_001323564.2 and 1 more transcripts); c.525-5A>C (NM_001127458.2).
Identifiers: ClinVar variation 4452379 (VCV004452379.2).
Genomic context (GRCh38, chr20:6,037,069, plus strand): 5'-TGATTCCCGTTGCTACTATTTTTTAGACTTGACAACTACATTTTATTTCTTTTCTTCCAT[A>C]AAAGGTGTTTTACAGCTTTCACCACAGCTGCATCAGCTTATAGTTACTATCATTATGGCC-3'